The following is an entry in ClinVar:

ClinVar aggregate classification (germline): Pathogenic (1 of 4 stars; one submission).

Conditions:
Hermansky-Pudlak syndrome 3 (HPS3). Identifiers: Orphanet 231512, Orphanet 79430, MedGen C3888001, MONDO:0013555, OMIM 614072.

Submission:

Myriad Genetics, Inc.
Classification: Pathogenic for Hermansky-Pudlak syndrome 3. Last evaluated: 2024-03-02. Review status: criteria provided, single submitter. Criteria: Myriad Autosomal Dominant, Autosomal Recessive and X-Linked Classification Criteria (2023). Collection method: clinical testing. Allele origin: unknown.
Comment: NM_032383.3(HPS3):c.1317T>A(C439*) is expected to be pathogenic in the context of Hermansky-Pudlak syndrome, HPS3-related. This variant is predicted to lead to an abnormal or absent protein product due to the creation of a premature termination codon in HPS3, a gene where loss-of-function variants are known to be pathogenic. Please note: this variant was assessed in the context of healthy population screening.

NM_032383.5(HPS3):c.1317T>A (p.Cys439Ter)

Gene: HPS3 (HPS3 biogenesis of lysosomal organelles complex 2 subunit 1; plus strand). Cytogenetic location: 3q24.
Variant type: single nucleotide variant.
Coding change: c.1317T>A on transcript NM_032383.5 (MANE Select); coding-DNA position 1317, T replaced by A.
Protein change: p.Cys439Ter; replaces cysteine 439 with a stop codon.
Molecular consequence: nonsense.
Genome position (GRCh38, 1-based): chr3:149,153,565, T>A. VCF-style: chr3-149153565-T-A. GRCh37 (hg19) VCF-style: chr3-148871352-T-A.
Other names: c.822T>A, p.Cys274Ter (NM_001308258.2); short protein forms C274*, C439*.
Identifiers: ClinVar variation 5012793 (VCV005012793.1).
Genomic context (GRCh38, chr3:149,153,565, plus strand): 5'-TGTCAGTATGGATGTCTGTGCTTTAAGAATACAGCTTTTCATAGGCTTGAAAGCCATCTG[T>A]CACTTTAAAAACCACATCATACTTTTGACTAAAGCAGAACCTGAAGCCATTCCAGAGAGA-3'